The following is an entry in ClinVar:

ClinVar aggregate classification (germline): Likely pathogenic. Review status: criteria provided, multiple submitters, no conflicts (2 of 4 stars). 5 submissions from 5 submitters: Likely pathogenic (5). Last evaluated 2026-01-31.

Conditions:
C3 glomerulonephritis. Also called: C3 GLOMERULOPATHY 3; Nephropathy due to CFHR5 Deficiency. Identifiers: Orphanet 329931, MedGen C4055342, MONDO:0013892, OMIM 614809.
Atypical hemolytic-uremic syndrome. Identifiers: Orphanet 2134, MedGen C2931788, MONDO:0016244.
Atypical hemolytic-uremic syndrome with C3 anomaly. Also called: AHUS, SUSCEPTIBILITY TO, 5. Identifiers: Orphanet 2134, MedGen C2752037, MONDO:0013043, OMIM 612925.
Familial Atypical Hemolytic-Uremic Syndrome. Identifiers: MedGen C4055018.

Allele frequency attached by ClinVar (database versions not stated): TOPMed below 0.00001; ExAC 0.00001; gnomAD exomes below 0.00001.
gnomAD v4.1: 4 of 1,613,952 alleles (0.00025%); highest among the groups gnomAD compares: South Asian, 0.0011%; no homozygotes.

Submissions (5):

3billion
Classification: Likely pathogenic for Atypical hemolytic-uremic syndrome with C3 anomaly. Last evaluated: 2026-01-31. Review status: criteria provided, single submitter. Criteria: ACMG Guidelines, 2015. Collection method: clinical testing. Allele origin: germline. Affected: yes.
Comment: The variant is observed at an extremely low frequency in the gnomAD v4.1.0 dataset (total allele frequency: <0.001%). Predicted Consequence/Location: Missense variant Damaging effect on gene or gene product predicted by in silico programs is uncertain [REVEL: 0.44 (damaging >=0.6, benign <0.4), 3Cnet: 0.00 (damaging >0.75, benign <0.1)]. The same nucleotide change resulting in the same amino acid change has been previously reported as pathogenic/likely pathogenic with strong evidence (ClinVar ID: VCV003063665 /PMID: 18796626). Different missense changes at the same codon (p.Arg592Gln, p.Arg592Leu) have been reported as pathogenic/likely pathogenic with strong evidence (ClinVar ID: VCV000017060 /PMID: 18796626, 37369098). Therefore, this variant is classified as Likely pathogenic according to the recommendation of ACMG/AMP guideline.

Genomenon, Inc
Classification: Likely pathogenic for C3 glomerulonephritis; Atypical hemolytic-uremic syndrome. Last evaluated: 2025-09-30. Review status: criteria provided, single submitter. Criteria: Genomenon Sequence Variant Interpretation Standards. Collection method: curation. Allele origin: germline. Affected: yes.
Comment: C3 p.Arg592Trp (c.1774C>T) is a missense variant that changes the amino acid at residue 592 from Arginine to Tryptophan. This variant has been observed in at least one proband affected with a C3-related disorder (PMID:34631043;18796626;28614243;21125405;25879158;36845135;30662780). The variant was found to segregate with disease in at least one affected family (PMID:18796626). At least one functional study has demonstrated a substantial alteration in protein function relative to the wild-type (PMID:18796626;25608561). It is absent or not present at a significant frequency in gnomAD. In conclusion, we classify C3 p.Arg592Trp (c.1774C>T) as a likely pathogenic variant.

Mayo Clinic Laboratories, Mayo Clinic
Classification: Likely pathogenic. Last evaluated: 2025-08-28. Review status: criteria provided, single submitter. Criteria: ACMG Guidelines, 2015. Collection method: clinical testing. Allele origin: germline. Observed: 1 variant allele.
Comment: PM2_supporting, PS3_moderate, PS4

Center for Genomic Medicine, Rigshospitalet, Copenhagen University Hospital
Classification: Likely pathogenic. Last evaluated: 2025-03-04. Review status: criteria provided, single submitter. Criteria: ACMG Guidelines, 2015. Collection method: clinical testing. Allele origin: germline.

Women's Health and Genetics/Laboratory Corporation of America, LabCorp
Classification: Likely pathogenic for Familial Atypical Hemolytic-Uremic Syndrome. Last evaluated: 2024-01-24. Review status: criteria provided, single submitter. Criteria: LabCorp Variant Classification Summary - May 2015. Collection method: clinical testing. Allele origin: germline.
Comment: Variant summary: C3 c.1774C>T (p.Arg592Trp) results in a non-conservative amino acid change located in the Alpha-2-macroglobulin, bait region domain (IPR011625) of the encoded protein sequence. Three of five in-silico tools predict a damaging effect of the variant on protein function. The variant allele was found at a frequency of 4e-06 in 251464 control chromosomes (gnomAD). c.1774C>T has been reported in the literature in individuals affected with Atypical Hemolytic Uremic Syndrome (examples: Fremeaux-Bacchi_2008, Martinez-Barricarte_2015, Chen_2017, Bjerre_2018, Geerlings_2018, and Ardissino_2021). These data indicate that the variant is likely to be associated with disease. Multiple publications have reported this variant reduced binding to complement regulators such as membrane coding factor (MCP), resulting in a resistance to cleavage by factor I (examples: Fremeaux-Bacchi_2008, Martinez-Barricarte_2015, Schramm_2015). The following publications have been ascertained in the context of this evaluation (PMID: 34169201, 30662780, 28614243, 18796626, 29888403, 25879158, 25608561). No submitters have cited clinical-significance assessments for this variant to ClinVar. Based on the evidence outlined above, the variant was classified as likely pathogenic.

Literature cited by the submitters: PubMed 18796626 (cited by 5 submitters); PubMed 34631043 (cited by Genomenon, Inc); PubMed 28614243 (cited by 3 submitters); PubMed 21125405 (cited by Genomenon, Inc); PubMed 25879158 (cited by 4 submitters); PubMed 36845135 (cited by Genomenon, Inc); PubMed 30662780 (cited by 3 submitters); PubMed 25608561 (cited by 4 submitters); PubMed 29888403 (cited by 3 submitters); PubMed 34169201 (cited by 3 submitters); PubMed 37369098 (cited by Mayo Clinic Laboratories, Mayo Clinic).

NM_000064.4(C3):c.1774C>T (p.Arg592Trp)

Gene: C3 (complement C3; minus strand). Cytogenetic location: 19p13.3.
Variant type: single nucleotide variant.
Coding change: c.1774C>T on transcript NM_000064.4 (MANE Select); coding-DNA position 1774, C replaced by T.
Protein change: p.Arg592Trp; replaces arginine 592 with tryptophan.
Molecular consequence: missense variant.
Genome position (GRCh38, 1-based): chr19:6,709,755, G>A on the plus strand (C>T on the coding strand, the complement: C3 is on the minus strand). VCF-style: chr19-6709755-G-A. GRCh37 (hg19) VCF-style: chr19-6709766-G-A.
Other names: p.Arg592Trp; short protein forms R592W.
Identifiers: ClinVar variation 3063665 (VCV003063665.6), dbSNP rs771353792, ClinGen allele CA9129335.